The following is an entry in ClinVar:

NM_000540.3(RYR1):c.2713T>A (p.Cys905Ser)

Gene: RYR1 (ryanodine receptor 1; plus strand). Cytogenetic location: 19q13.2.
Variant type: single nucleotide variant.
Coding change: c.2713T>A on transcript NM_000540.3 (MANE Select); coding-DNA position 2713, T replaced by A.
Protein change: p.Cys905Ser; replaces cysteine 905 with serine.
Molecular consequence: missense variant.
Genome position (GRCh38, 1-based): chr19:38,463,777, T>A. VCF-style: chr19-38463777-T-A. GRCh37 (hg19) VCF-style: chr19-38954417-T-A.
Other names: c.2713T>A, p.Cys905Ser (NM_001042723.2); short protein forms C905S.
Identifiers: ClinVar variation 4975405 (VCV004975405.1).

ClinVar aggregate classification (germline): Uncertain significance (1 of 4 stars; one submission).

Submission:

GeneDx
Classification: Uncertain significance. Last evaluated: 2026-01-26. Review status: criteria provided, single submitter. Criteria: GeneDx Variant Classification Process June 2021. Collection method: clinical testing. Allele origin: germline.
Comment: Not observed at significant frequency in large population cohorts (gnomAD); In silico analysis supports that this missense variant has a deleterious effect on protein structure/function; Has not been previously published as pathogenic or benign to our knowledge